The following is an entry in ClinVar:

NM_000492.4(CFTR):c.765C>G (p.Ile255Met)

Gene: CFTR (CF transmembrane conductance regulator; plus strand). Cytogenetic location: 7q31.2.
Variant type: single nucleotide variant.
Coding change: c.765C>G on transcript NM_000492.4 (MANE Select); coding-DNA position 765, C replaced by G.
Protein change: p.Ile255Met; replaces isoleucine 255 with methionine.
Molecular consequence: missense variant.
Genome position (GRCh38, 1-based): chr7:117,536,569, C>G. VCF-style: chr7-117536569-C-G. GRCh37 (hg19) VCF-style: chr7-117176623-C-G.
Other names: short protein forms I255M.
Identifiers: ClinVar variation 1760008 (VCV001760008.2), dbSNP rs1202176665, ClinGen allele CA368977361.

ClinVar aggregate classification (germline): Uncertain significance (1 of 4 stars; one submission).

Conditions:
Cystic fibrosis (CF). Also called: MUCOVISCIDOSIS. Identifiers: Orphanet 586, MedGen C0010674, MONDO:0009061, OMIM 219700. Disease mechanism: loss of function.

gnomAD v4.1: 5 of 1,598,094 alleles (0.00031%); highest among the groups gnomAD compares: African/African-American, 0.0027%; no homozygotes.

Submission:

Ambry Genetics
Classification: Uncertain significance for Cystic fibrosis. Last evaluated: 2021-09-08. Review status: criteria provided, single submitter. Criteria: Ambry Variant Classification Scheme 2023. Collection method: clinical testing. Allele origin: germline.
Comment: The p.I255M variant (also known as c.765C>G), located in coding exon 7 of the CFTR gene, results from a C to G substitution at nucleotide position 765. The isoleucine at codon 255 is replaced by methionine, an amino acid with highly similar properties. This amino acid position is conserved. In addition, the in silico prediction for this alteration is inconclusive. Since supporting evidence is limited at this time, the clinical significance of this alteration remains unclear.